The following is an entry in ClinVar:

NM_000350.3(ABCA4):c.5810T>G (p.Ile1937Ser)

Gene: ABCA4 (ATP binding cassette subfamily A member 4; minus strand). Cytogenetic location: 1p22.1.
Variant type: single nucleotide variant.
Coding change: c.5810T>G on transcript NM_000350.3 (MANE Select); coding-DNA position 5810, T replaced by G.
Protein change: p.Ile1937Ser; replaces isoleucine 1937 with serine.
Molecular consequence: missense variant.
Genome position (GRCh38, 1-based): chr1:94,008,776, A>C on the plus strand (T>G on the coding strand, the complement: ABCA4 is on the minus strand). VCF-style: chr1-94008776-A-C. GRCh37 (hg19) VCF-style: chr1-94474332-A-C.
Other names: c.5588T>G, p.Ile1863Ser (NM_001425324.1); short protein forms I1937S, I1863S.
Identifiers: ClinVar variation 1479825 (VCV001479825.6), dbSNP rs765282381, ClinGen allele CA341280179.
Genomic context (GRCh38, chr1:94,008,776, plus strand): 5'-AACCAGCACCTCCAAACTCATACCCATTCCCTTACCTTGGTTAGTTCATGTAGCCTTAAG[A>C]TGTCAGTTTTATTTCCACCAGTAATAATTCTTTGTCTTTCTTCAGCCACATCATCATCTT-3'
Protein context (NP_000341.2, residues 1927-1947): RIITGGNKTD[Ile1937Ser]LRLHELTKIY

ClinVar aggregate classification (germline): Uncertain significance (1 of 4 stars; one submission).

Submission:

Labcorp Genetics (formerly Invitae), Labcorp
Classification: Uncertain significance. Last evaluated: 2021-09-14. Review status: criteria provided, single submitter. Criteria: Invitae Variant Classification Sherloc (09022015). Collection method: clinical testing. Allele origin: germline.
Comment: This variant is not present in population databases (ExAC no frequency). This sequence change replaces isoleucine with serine at codon 1937 of the ABCA4 protein (p.Ile1937Ser). The isoleucine residue is highly conserved and there is a large physicochemical difference between isoleucine and serine. In summary, the available evidence is currently insufficient to determine the role of this variant in disease. Therefore, it has been classified as a Variant of Uncertain Significance. Advanced modeling of protein sequence and biophysical properties (such as structural, functional, and spatial information, amino acid conservation, physicochemical variation, residue mobility, and thermodynamic stability) performed at Invitae indicates that this missense variant is expected to disrupt ABCA4 protein function. This variant has not been reported in the literature in individuals affected with ABCA4-related conditions.